The following is an entry in ClinVar:

ClinVar aggregate classification (germline): Uncertain significance (1 of 4 stars; one submission).

Conditions:
Nemaline myopathy 2 (NEM2). Also called: Nemaline myopathy 2, autosomal recessive. Identifiers: MedGen C1850569, MONDO:0009725, OMIM 256030.

Allele frequency attached by ClinVar (database versions not stated): gnomAD 0.00001; TOPMed 0.00001.
gnomAD v4.1: 6 of 1,613,886 alleles (0.00037%); highest among the groups gnomAD compares: Non-Finnish European, 0.00051%; no homozygotes.

Submission:

Labcorp Genetics (formerly Invitae), Labcorp
Classification: Uncertain significance for Nemaline myopathy 2. Last evaluated: 2024-07-16. Review status: criteria provided, single submitter. Criteria: Invitae Variant Classification Sherloc (09022015). Collection method: clinical testing. Allele origin: germline.
Comment: This sequence change replaces aspartic acid, which is acidic and polar, with asparagine, which is neutral and polar, at codon 2639 of the NEB protein (p.Asp2639Asn). This variant is not present in population databases (gnomAD no frequency). This variant has not been reported in the literature in individuals affected with NEB-related conditions. ClinVar contains an entry for this variant (Variation ID: 2195898). Experimental studies and prediction algorithms are not available or were not evaluated, and the functional significance of this variant is currently unknown. In summary, the available evidence is currently insufficient to determine the role of this variant in disease. Therefore, it has been classified as a Variant of Uncertain Significance.

NM_001164508.2(NEB):c.7915G>A (p.Asp2639Asn)

Gene: NEB (nebulin; minus strand). Cytogenetic location: 2q23.3.
Variant type: single nucleotide variant.
Coding change: c.7915G>A on transcript NM_001164508.2 (MANE Select); coding-DNA position 7915, G replaced by A.
Protein change: p.Asp2639Asn; replaces aspartic acid 2639 with asparagine.
Molecular consequence: missense variant.
Genome position (GRCh38, 1-based): chr2:151,643,859, C>T on the plus strand (G>A on the coding strand, the complement: NEB is on the minus strand). VCF-style: chr2-151643859-C-T. GRCh37 (hg19) VCF-style: chr2-152500373-C-T.
Other names: c.7915G>A, p.Asp2639Asn (NM_001164507.2, NM_001271208.2, NM_004543.5); short protein forms D2639N.
Identifiers: ClinVar variation 2195898 (VCV002195898.4), dbSNP rs2098919438, ClinGen allele CA348780887.